The following is an entry in ClinVar:

NC_000007.14:g.117479908G>T

Genes: CFTR (CF transmembrane conductance regulator; plus strand), LOC111674463 (CFTR promoter region; plus strand). Cytogenetic location: 7q31.2.
Variant type: single nucleotide variant.
Genome position: GRCh38 VCF-style: chr7-117479908-G-T. GRCh37 (hg19) VCF-style: chr7-117119962-G-T.
Identifiers: ClinVar variation 3032058 (VCV003032058.2), dbSNP rs1418352110, ClinGen allele CA832112735.

ClinVar aggregate classification (germline): Likely benign (0 of 4 stars; one submission).

Conditions:
CFTR-related disorder (CFTR-RD). Also called: CFTR-related condition; CFTR-related disorders. Identifiers: MedGen C5924204, MONDO:7770004.

Allele frequency attached by ClinVar (database versions not stated): gnomAD 0.00002; gnomAD exomes below 0.00001.

Submission:

PreventionGenetics, part of Exact Sciences
Classification: Likely benign for CFTR-related condition. Last evaluated: 2022-11-18. Review status: no assertion criteria provided. Collection method: clinical testing. Allele origin: germline.
Comment: This variant is classified as likely benign based on ACMG/AMP sequence variant interpretation guidelines (Richards et al. 2015 PMID: 25741868, with internal and published modifications).